The following is an entry in ClinVar:

ClinVar aggregate classification (germline): Uncertain significance (1 of 4 stars; one submission).

Conditions:
Nemaline myopathy 10 (NEM10). Identifiers: MedGen C4015360, MONDO:0014513, OMIM 616165.

Allele frequency attached by ClinVar (database versions not stated): gnomAD 0.00001; gnomAD exomes 0.00001 and below 0.00001; TOPMed 0.00001; ExAC 0.00002; 1000 Genomes Project 0.00020; 1000 Genomes Project 30x 0.00031.
gnomAD v4.1: 15 of 1,613,392 alleles (0.00093%); highest among the groups gnomAD compares: African/African-American, 0.0013%; no homozygotes.

Submission:

Labcorp Genetics (formerly Invitae), Labcorp
Classification: Uncertain significance for Nemaline myopathy 10. Last evaluated: 2020-11-30. Review status: criteria provided, single submitter. Criteria: Invitae Variant Classification Sherloc (09022015). Collection method: clinical testing. Allele origin: germline.
Comment: Algorithms developed to predict the effect of missense changes on protein structure and function are either unavailable or do not agree on the potential impact of this missense change (SIFT: "Tolerated"; PolyPhen-2: "Possibly Damaging"; Align-GVGD: "Class C0"). This variant has not been reported in the literature in individuals with LMOD3-related conditions. This variant is present in population databases (rs541421744, ExAC 0.01%). This sequence change replaces asparagine with aspartic acid at codon 26 of the LMOD3 protein (p.Asn26Asp). The asparagine residue is moderately conserved and there is a small physicochemical difference between asparagine and aspartic acid. In summary, the available evidence is currently insufficient to determine the role of this variant in disease. Therefore, it has been classified as a Variant of Uncertain Significance.

NM_198271.5(LMOD3):c.76A>G (p.Asn26Asp)

Genes: LMOD3 (leiomodin 3; minus strand), LOC126806710 (CDK7 strongly-dependent group 2 enhancer GRCh37_chr3:69170601-69171800; plus strand). Cytogenetic location: 3p14.1.
Variant type: single nucleotide variant.
Coding change: c.76A>G on transcript NM_198271.5 (MANE Select); coding-DNA position 76, A replaced by G.
Protein change: p.Asn26Asp; replaces asparagine 26 with aspartic acid.
Molecular consequence: missense variant.
Genome position (GRCh38, 1-based): chr3:69,122,311, T>C on the plus strand (A>G on the coding strand, the complement: LMOD3 is on the minus strand). VCF-style: chr3-69122311-T-C. GRCh37 (hg19) VCF-style: chr3-69171462-T-C.
Other names: c.76A>G, p.Asn26Asp (NM_001304418.3); short protein forms N26D.
Identifiers: ClinVar variation 1357871 (VCV001357871.8), dbSNP rs541421744, ClinGen allele CA2489085.